The following is an entry in ClinVar:

ClinVar aggregate classification (germline): Uncertain significance. Review status: criteria provided, multiple submitters, no conflicts (2 of 4 stars). 2 submissions from 2 submitters: Uncertain significance (2). Last evaluated 2025-06-24.

Conditions:
Cardiovascular phenotype. Identifiers: MedGen CN230736.
Dilated cardiomyopathy 2B. Identifiers: Orphanet 154, MedGen C3553409, MONDO:0013848, OMIM 614672.

Allele frequency attached by ClinVar (database versions not stated): ExAC 0.00001; gnomAD 0.00001; gnomAD exomes 0.00001.
gnomAD v4.1: 12 of 1,609,162 alleles (0.00075%); highest among the groups gnomAD compares: East Asian, 0.0022%; no homozygotes.

Submissions (2):

Ambry Genetics
Classification: Uncertain significance for Cardiovascular phenotype. Last evaluated: 2025-06-24. Review status: criteria provided, single submitter. Criteria: Ambry Variant Classification Scheme 2023. Collection method: clinical testing. Allele origin: germline.

Labcorp Genetics (formerly Invitae), Labcorp
Classification: Uncertain significance for Cardiomyopathy, dilated, 2b. Last evaluated: 2019-03-20. Review status: criteria provided, single submitter. Criteria: Invitae Variant Classification Sherloc (09022015). Collection method: clinical testing. Allele origin: germline.
Comment: This sequence change replaces proline with leucine at codon 104 of the GATAD1 protein (p.Pro104Leu). The proline residue is highly conserved and there is a moderate physicochemical difference between proline and leucine. This variant is present in population databases (rs768140033, ExAC 0.01%). This variant has not been reported in the literature in individuals with GATAD1-related conditions. Algorithms developed to predict the effect of missense changes on protein structure and function are either unavailable or do not agree on the potential impact of this missense change (SIFT: "Deleterious"; PolyPhen-2: "Benign"; Align-GVGD: "Class C65"). In summary, the available evidence is currently insufficient to determine the role of this variant in disease. Therefore, it has been classified as a Variant of Uncertain Significance.

NM_021167.5(GATAD1):c.311C>T (p.Pro104Leu)

Gene: GATAD1 (GATA zinc finger domain containing 1; plus strand). Cytogenetic location: 7q21.2.
Variant type: single nucleotide variant.
Coding change: c.311C>T on transcript NM_021167.5 (MANE Select); coding-DNA position 311, C replaced by T.
Protein change: p.Pro104Leu; replaces proline 104 with leucine.
Molecular consequence: missense variant. On other transcripts: non-coding transcript variant (1).
Genome position (GRCh38, 1-based): chr7:92,448,813, C>T. VCF-style: chr7-92448813-C-T. GRCh37 (hg19) VCF-style: chr7-92078127-C-T.
Other names: c.311C>T (NM_021167.3); short protein forms P104L.
Identifiers: ClinVar variation 837705 (VCV000837705.2), dbSNP rs768140033, ClinGen allele CA4340250.